The following is an entry in ClinVar:

ClinVar aggregate classification (germline): Benign (1 of 4 stars; one submission).

Allele frequency attached by ClinVar (database versions not stated): gnomAD exomes 0.00260; gnomAD 0.02503 and 0.02667; TOPMed 0.02803; 1000 Genomes Project 0.02975; 1000 Genomes Project 30x 0.03232.
gnomAD v4.1: 6,363 of 1,087,810 alleles (0.58%); highest among the groups gnomAD compares: African/African-American, 8.5%; 290 homozygotes.

Submission:

GeneDx
Classification: Benign. Last evaluated: 2018-06-14. Review status: criteria provided, single submitter. Criteria: GeneDx Variant Classification (06012015). Collection method: clinical testing. Allele origin: germline. Affected: yes.
Comment: This variant is considered likely benign or benign based on one or more of the following criteria: it is a conservative change, it occurs at a poorly conserved position in the protein, it is predicted to be benign by multiple in silico algorithms, and/or has population frequency not consistent with disease.

NM_001844.5(COL2A1):c.3111+114G>A

Gene: COL2A1 (collagen type II alpha 1 chain; minus strand). Cytogenetic location: 12q13.11.
Variant type: single nucleotide variant.
Coding change: c.3111+114G>A on transcript NM_001844.5 (MANE Select); 114 bases into the intron after coding-DNA position 3111, G replaced by A.
Molecular consequence: intron variant.
Genome position (GRCh38, 1-based): chr12:47,977,896, C>T on the plus strand (G>A on the coding strand, the complement: COL2A1 is on the minus strand). VCF-style: chr12-47977896-C-T. GRCh37 (hg19) VCF-style: chr12-48371679-C-T.
Other names: c.2904+114G>A (NM_033150.3).
Identifiers: ClinVar variation 676702 (VCV000676702.1), dbSNP rs57550917, ClinGen allele CA236521454.